The following is an entry in ClinVar:

NM_013432.5(TONSL):c.3551C>T (p.Ala1184Val)

Gene: TONSL (tonsoku like, DNA repair protein; minus strand). Cytogenetic location: 8q24.3.
Variant type: single nucleotide variant.
Coding change: c.3551C>T on transcript NM_013432.5 (MANE Select); coding-DNA position 3551, C replaced by T.
Protein change: p.Ala1184Val; replaces alanine 1184 with valine.
Molecular consequence: missense variant.
Genome position (GRCh38, 1-based): chr8:144,433,596, G>A on the plus strand (C>T on the coding strand, the complement: TONSL is on the minus strand). VCF-style: chr8-144433596-G-A. GRCh37 (hg19) VCF-style: chr8-145658979-G-A.
Other names: c.3551C>T (NM_013432.4); short protein forms A1184V.
Identifiers: ClinVar variation 1618416 (VCV001618416.11), dbSNP rs372316501, ClinGen allele CA4942481.

ClinVar aggregate classification (germline): Conflicting classifications of pathogenicity. Review status: criteria provided, conflicting classifications (1 of 4 stars). 3 submissions from 3 submitters: Uncertain significance (1); Benign (1). 1 of the submissions does not count toward it. Last evaluated 2025-09-25.

Conditions:
Inborn genetic diseases. Identifiers: MedGen C0950123, MeSH D030342.
TONSL-related disorder. Also called: TONSL-related condition.

Allele frequency attached by ClinVar (database versions not stated): TOPMed 0.00004; gnomAD 0.00025; gnomAD exomes 0.00051 and 0.00099; ExAC 0.00111; 1000 Genomes Project 30x 0.00141; 1000 Genomes Project 0.00180.
gnomAD v4.1: 787 of 1,613,362 alleles (0.049%); highest among the groups gnomAD compares: South Asian, 0.81%; 12 homozygotes.

Submissions (3):

Labcorp Genetics (formerly Invitae), Labcorp
Classification: Benign. Last evaluated: 2025-09-25. Review status: criteria provided, single submitter. Criteria: Invitae Variant Classification Sherloc (09022015). Collection method: clinical testing. Allele origin: germline.

Ambry Genetics
Classification: Uncertain significance for Inborn genetic diseases. Last evaluated: 2024-11-21. Review status: criteria provided, single submitter. Criteria: Ambry Variant Classification Scheme 2023. Collection method: clinical testing. Allele origin: germline.

PreventionGenetics, part of Exact Sciences
Classification: Benign for TONSL-related condition. Last evaluated: 2020-01-20. Review status: no assertion criteria provided. Collection method: clinical testing. Allele origin: germline. Not counted in ClinVar's aggregate classification.
Comment: This variant is classified as benign based on ACMG/AMP sequence variant interpretation guidelines (Richards et al. 2015 PMID: 25741868, with internal and published modifications).